The following is an entry in ClinVar:

NM_013275.6(ANKRD11):c.675G>A (p.Ala225=)

Gene: ANKRD11 (ankyrin repeat domain 11; minus strand). Cytogenetic location: 16q24.3.
Variant type: single nucleotide variant.
Coding change: c.675G>A on transcript NM_013275.6 (MANE Select); coding-DNA position 675, G replaced by A.
Protein change: p.Ala225=; no amino-acid change (alanine 225 retained).
Molecular consequence: synonymous variant. On other transcripts: non-coding transcript variant (1).
Genome position (GRCh38, 1-based): chr16:89,288,597, C>T on the plus strand (G>A on the coding strand, the complement: ANKRD11 is on the minus strand). VCF-style: chr16-89288597-C-T. GRCh37 (hg19) VCF-style: chr16-89355005-C-T.
Other names: c.675G>A, p.Ala225= (NM_001256182.2, NM_001256183.2).
Identifiers: ClinVar variation 1755294 (VCV001755294.32), dbSNP rs201683755, ClinGen allele CA8243013.

ClinVar aggregate classification (germline): Likely benign. Review status: criteria provided, multiple submitters, no conflicts (2 of 4 stars). 4 submissions from 4 submitters: Likely benign (4). Last evaluated 2025-11-24.

Conditions:
Inborn genetic diseases. Identifiers: MedGen C0950123, MeSH D030342.
KBG syndrome (KBGS). Also called: ANKRD11-Related KBG Syndrome. Identifiers: Orphanet 2332, MedGen C0220687, MONDO:0007846, OMIM 148050.

Allele frequency attached by ClinVar (database versions not stated): TOPMed 0.00004; ExAC 0.00005; gnomAD 0.00005; gnomAD exomes 0.00007.
gnomAD v4.1: 118 of 1,614,038 alleles (0.0073%); highest among the groups gnomAD compares: Middle Eastern, 0.099%; 1 homozygote.

Submissions (4):

Labcorp Genetics (formerly Invitae), Labcorp
Classification: Likely benign for KBG syndrome. Last evaluated: 2025-11-24. Review status: criteria provided, single submitter. Criteria: Invitae Variant Classification Sherloc (09022015). Collection method: clinical testing. Allele origin: germline.

Blueprint Genetics
Classification: Likely benign. Last evaluated: 2024-10-28. Review status: criteria provided, single submitter. Criteria: ACMG Guidelines, 2015. Collection method: clinical testing. Allele origin: germline.

CeGaT Center for Human Genetics Tuebingen
Classification: Likely benign. Last evaluated: 2024-10-01. Review status: criteria provided, single submitter. Criteria: CeGaT Center For Human Genetics Tuebingen Variant Classification Criteria Version 2. Collection method: clinical testing. Allele origin: germline. Affected: yes. Observed: 4 variant alleles.
Comment: ANKRD11: BP4, BP7

Ambry Genetics
Classification: Likely benign for Inborn genetic diseases. Last evaluated: 2017-12-18. Review status: criteria provided, single submitter. Criteria: Ambry Variant Classification Scheme 2023. Collection method: clinical testing. Allele origin: germline.